The following is an entry in ClinVar:

NM_004795.4(KL):c.478G>A (p.Gly160Ser)

Gene: KL (klotho; plus strand). Cytogenetic location: 13q13.1.
Variant type: single nucleotide variant.
Coding change: c.478G>A on transcript NM_004795.4 (MANE Select); coding-DNA position 478, G replaced by A.
Protein change: p.Gly160Ser; replaces glycine 160 with serine.
Molecular consequence: missense variant.
Genome position (GRCh38, 1-based): chr13:33,016,918, G>A. VCF-style: chr13-33016918-G-A. GRCh37 (hg19) VCF-style: chr13-33591056-G-A.
Other names: short protein forms G160S.
Identifiers: ClinVar variation 2811297 (VCV002811297.3), dbSNP rs2501697396, ClinGen allele CA387781590.
Genomic context (GRCh38, chr13:33,016,918, plus strand): 5'-CGCGAGCTCGGGGTCACTCACTACCGCTTCTCCATCTCGTGGGCGCGAGTGCTCCCCAAT[G>A]GCAGCGCGGGCGTCCCCAACCGCGAGGGGCTGCGCTACTACCGGCGCCTGCTGGAGCGGC-3'
Protein context (NP_004786.2, residues 150-170): SISWARVLPN[Gly160Ser]SAGVPNREGL

ClinVar aggregate classification (germline): Uncertain significance (1 of 4 stars; one submission).

Submission:

Labcorp Genetics (formerly Invitae), Labcorp
Classification: Uncertain significance. Last evaluated: 2022-11-01. Review status: criteria provided, single submitter. Criteria: Invitae Variant Classification Sherloc (09022015). Collection method: clinical testing. Allele origin: germline.
Comment: In summary, the available evidence is currently insufficient to determine the role of this variant in disease. Therefore, it has been classified as a Variant of Uncertain Significance. Advanced modeling of protein sequence and biophysical properties (such as structural, functional, and spatial information, amino acid conservation, physicochemical variation, residue mobility, and thermodynamic stability) performed at Invitae indicates that this missense variant is expected to disrupt KL protein function. This variant has not been reported in the literature in individuals affected with KL-related conditions. This variant is not present in population databases (gnomAD no frequency). This sequence change replaces glycine, which is neutral and non-polar, with serine, which is neutral and polar, at codon 160 of the KL protein (p.Gly160Ser).